The following is an entry in ClinVar:

NM_000517.4(HBA2):c.49A>G (p.Lys17Glu)

Genes: HBA2 (hemoglobin subunit alpha 2; plus strand), LOC106804612 (hemoglobin subunit alpha 2 recombination region; plus strand). Cytogenetic location: 16p13.3.
Variant type: single nucleotide variant.
Coding change: c.49A>G on transcript NM_000517.4; coding-DNA position 49, A replaced by G.
Protein change: p.Lys17Glu; replaces lysine 17 with glutamic acid.
Molecular consequence: missense variant (on NM_000517.6).
Genome position (GRCh38, 1-based): chr16:172,961, A>G. VCF-style: chr16-172961-A-G. GRCh37 (hg19) VCF-style: chr16-222960-A-G.
Other names: K16E; Hb I-Burlington; Hb I-Philadelphia; Hb I-Skamania; Hb I-Texas; c.49A>G, p.Lys17Glu (NM_000517.6); short protein forms K17E.
Identifiers: ClinVar variation 15635 (VCV000015635.22), dbSNP rs281865555, ClinGen allele CA125567.

ClinVar aggregate classification (germline): Conflicting classifications of pathogenicity. Review status: criteria provided, conflicting classifications (1 of 4 stars). 8 submissions from 4 submitters: Uncertain significance (2); Likely benign (1). 5 of the submissions do not count toward it. Last evaluated 2025-05-28.

Conditions:
HEMOGLOBIN I (PHILADELPHIA).
HEMOGLOBIN I (SKAMANIA).
HEMOGLOBIN I (TEXAS).
HEMOGLOBIN I.
HEMOGLOBIN I (BURLINGTON).

Allele frequency attached by ClinVar (database versions not stated): gnomAD exomes 0.00001.

Submissions (8):

ARUP Laboratories, Molecular Genetics and Genomics, ARUP Laboratories
Classification: Likely benign. Last evaluated: 2025-05-28. Review status: criteria provided, single submitter. Criteria: ARUP Molecular Germline Variant Investigation Process 2024. Collection method: clinical testing. Allele origin: germline.
Comment: The Hb I variant (HBA2: c.49A>G; p.Lys17Glu, also known as Lys16Glu when numbered from the mature protein, rs281865555, HbVar ID: 19) is reported in the literature in an individual who also carried an alpha globin deletion (Liebhaber 1984), but it has not been associated with any clinically significant phenotypes (HbVar database and references therein, Xu 2019). This variant is absent from the Genome Aggregation Database (v2.1.1), indicating it is not a common polymorphism. Computational analyses are uncertain whether this variant is neutral or deleterious (REVEL: 0.614). Based on available information, the Hb I variant is considered to be likely benign. References: Link to HbVar database: Liebhaber S et al. Hemoglobin I mutation encoded at both alpha-globin loci on the same chromosome: concerted evolution in the human genome. Science. 1984; 226(4681):1449-51. PMID: 6505702. Xu A et al. Hb I: A a-globin chain variant causing unexpected HbA1c results. J Clin Lab Anal. 2019 Feb;33(2):e22671. PMID: 30221391.

GeneDx
Classification: Uncertain significance. Last evaluated: 2025-03-27. Review status: criteria provided, single submitter. Criteria: GeneDx Variant Classification Process June 2021. Collection method: clinical testing. Allele origin: germline. Affected: yes.
Comment: Not observed at significant frequency in large population cohorts (gnomAD); In silico analysis supports that this missense variant has a deleterious effect on protein structure/function; Also known as Hb I-Philadelphia; This variant is associated with the following publications: (PMID: 740406, 6085353, 5480848, 5886214, 7803274, 30221391, 6505702)

Quest Diagnostics Nichols Institute San Juan Capistrano
Classification: Uncertain significance. Last evaluated: 2025-01-14. Review status: criteria provided, single submitter. Criteria: Quest Diagnostics criteria. Collection method: clinical testing. Allele origin: unknown.
Comment: The HBA2 c.49A>G (p.Lys17Glu) variant (also known as Hb I) has been described to have normal stability. Individuals who are heterozygous for this variant have a normal clinical presentation (see HbVar (and PMIDs: 7803274 (1994), 6085353 (1984), 740406 (1978), 5480848 (1970)). It was also described in a reportedly healthy individual carrying Hb I in both alpha-1 and alpha-2 genes on the same chromosome (PMID: 6505702 (1984)). Based on the available information, we are unable to determine the clinical significance of this variant.

OMIM
Classification: other for HEMOGLOBIN I. Last evaluated: 2013-03-28. Review status: no assertion criteria provided. Collection method: literature only. Allele origin: germline. Not counted in ClinVar's aggregate classification.

OMIM
Classification: other for HEMOGLOBIN I (BURLINGTON). Last evaluated: 2013-03-28. Review status: no assertion criteria provided. Collection method: literature only. Allele origin: germline. Not counted in ClinVar's aggregate classification.

OMIM
Classification: other for HEMOGLOBIN I (PHILADELPHIA). Last evaluated: 2013-03-28. Review status: no assertion criteria provided. Collection method: literature only. Allele origin: germline. Not counted in ClinVar's aggregate classification.

OMIM
Classification: other for HEMOGLOBIN I (SKAMANIA). Last evaluated: 2013-03-28. Review status: no assertion criteria provided. Collection method: literature only. Allele origin: germline. Not counted in ClinVar's aggregate classification.

OMIM
Classification: other for HEMOGLOBIN I (TEXAS). Last evaluated: 2013-03-28. Review status: no assertion criteria provided. Collection method: literature only. Allele origin: germline. Not counted in ClinVar's aggregate classification.

Literature cited by the submitters: PubMed 5480848 (cited by Quest Diagnostics Nichols Institute San Juan Capistrano); PubMed 740406 (cited by Quest Diagnostics Nichols Institute San Juan Capistrano); PubMed 6505702 (cited by Quest Diagnostics Nichols Institute San Juan Capistrano and OMIM); PubMed 6085353 (cited by Quest Diagnostics Nichols Institute San Juan Capistrano); PubMed 7803274 (cited by Quest Diagnostics Nichols Institute San Juan Capistrano); PubMed 30221391 (cited by Quest Diagnostics Nichols Institute San Juan Capistrano).